The following is an entry in ClinVar:

ClinVar aggregate classification (germline): Uncertain significance (1 of 4 stars; one submission).

Conditions:
Cardiovascular phenotype. Identifiers: MedGen CN230736.

gnomAD v4.1: 7 of 1,614,042 alleles (0.00043%); highest among the groups gnomAD compares: Admixed American, 0.0033%; no homozygotes.

Submission:

Ambry Genetics
Classification: Uncertain significance for Cardiovascular phenotype. Last evaluated: 2025-05-15. Review status: criteria provided, single submitter. Criteria: Ambry Variant Classification Scheme 2023. Collection method: clinical testing. Allele origin: germline.
Comment: The p.P140L variant (also known as c.419C>T), located in coding exon 1 of the RASA1 gene, results from a C to T substitution at nucleotide position 419. The proline at codon 140 is replaced by leucine, an amino acid with similar properties. This amino acid position is conserved. In addition, this alteration is predicted to be tolerated by in silico analysis. Based on the available evidence, the clinical significance of this variant remains unclear.

NM_002890.3(RASA1):c.419C>T (p.Pro140Leu)

Gene: RASA1 (RAS p21 protein activator 1; plus strand). Cytogenetic location: 5q14.3.
Variant type: single nucleotide variant.
Coding change: c.419C>T on transcript NM_002890.3 (MANE Select); coding-DNA position 419, C replaced by T.
Protein change: p.Pro140Leu; replaces proline 140 with leucine.
Molecular consequence: missense variant.
Genome position (GRCh38, 1-based): chr5:87,268,870, C>T. VCF-style: chr5-87268870-C-T. GRCh37 (hg19) VCF-style: chr5-86564687-C-T.
Other names: short protein forms P140L.
Identifiers: ClinVar variation 3942984 (VCV003942984.1).
Genomic context (GRCh38, chr5:87,268,870, plus strand): 5'-CCACTTCGTTGCTTGCTGAGACTCTCGGGCCAGGCGGCGGTTTTCCCCCTCTGCCCCCTC[C>T]CCCTTACCTGCCCCCTTTGGGGGCGGGCCTCGGGACAGTGGACGAAGGTGACTCTCTGGA-3'
Protein context (NP_002881.1, residues 130-150): PGGGFPPLPP[Pro140Leu]PYLPPLGAGL